The following is an entry in ClinVar:

ClinVar aggregate classification (germline): Benign (1 of 4 stars; one submission).

gnomAD v4.1: 670 of 398,504 alleles (0.17%); highest among the groups gnomAD compares: African/African-American, 1.2%; 4 homozygotes.

Submission:

CeGaT Center for Human Genetics Tuebingen
Classification: Benign. Last evaluated: 2026-06-01. Review status: criteria provided, single submitter. Criteria: CeGaT Center For Human Genetics Tuebingen Variant Classification Criteria Version 2. Collection method: clinical testing. Allele origin: germline. Affected: yes. Observed: 4 variant alleles.
Comment: KCNQ1OT1: BS1, BS2

NM_000218.3(KCNQ1):c.1394-14508T>C

Genes: KCNQ1 (potassium voltage-gated channel subfamily Q member 1; plus strand), KCNQ1OT1 (KCNQ1 opposite strand/antisense transcript 1; minus strand). Cytogenetic location: 11p15.5.
Variant type: single nucleotide variant.
Coding change: c.1394-14508T>C on transcript NM_000218.3 (MANE Select); 14508 bases into the intron before coding-DNA position 1394, T replaced by C.
Molecular consequence: intron variant. On other transcripts: non-coding transcript variant (1).
Genome position (GRCh38, 1-based): chr11:2,647,453, T>C. VCF-style: chr11-2647453-T-C. GRCh37 (hg19) VCF-style: chr11-2668683-T-C.
Other names: c.1124-14508T>C (NM_001406837.1); c.1298-14508T>C (NM_001406836.1); c.854-14508T>C (NM_001406838.1); c.1013-14508T>C (NM_181798.2).
Identifiers: ClinVar variation 4084866 (VCV004084866.8).